The following is an entry in ClinVar:

NM_201384.3(PLEC):c.7086G>C (p.Gln2362His)

Gene: PLEC (plectin; minus strand). Cytogenetic location: 8q24.3.
Variant type: single nucleotide variant.
Coding change: c.7086G>C on transcript NM_201384.3 (MANE Select); coding-DNA position 7086, G replaced by C.
Protein change: p.Gln2362His; replaces glutamine 2362 with histidine.
Molecular consequence: missense variant.
Genome position (GRCh38, 1-based): chr8:143,922,843, C>G on the plus strand (G>C on the coding strand, the complement: PLEC is on the minus strand). VCF-style: chr8-143922843-C-G. GRCh37 (hg19) VCF-style: chr8-144997011-C-G.
Other names: c.7167G>C, p.Gln2389His (NM_000445.5); c.7044G>C, p.Gln2348His (NM_201378.4); c.7020G>C, p.Gln2340His (NM_201379.3); c.7497G>C, p.Gln2499His (NM_201380.4); c.6990G>C, p.Gln2330His (NM_201381.3); c.7086G>C, p.Gln2362His (NM_201382.4); c.7098G>C, p.Gln2366His (NM_201383.3); short protein forms Q2340H, Q2348H, Q2366H, Q2499H, Q2330H, Q2362H, Q2389H.
Identifiers: ClinVar variation 1034911 (VCV001034911.5), dbSNP rs1554690668, ClinGen allele CA372529979.

ClinVar aggregate classification (germline): Uncertain significance (1 of 4 stars; one submission).

Conditions:
Epidermolysis bullosa simplex 5C, with pyloric atresia (EBS5C). Also called: PLEC1-Related Epidermolysis Bullosa with Pyloric Atresia; Epidermolysis bullosa simplex with pyloric atresia; PLEC-Related Epidermolysis Bullosa with Pyloric Atresia. Identifiers: Orphanet 158684, MedGen C2677349, MONDO:0012807, OMIM 612138.
Epidermolysis bullosa simplex 5B, with muscular dystrophy (EBS5B). Also called: EPIDERMOLYSIS BULLOSA SIMPLEX AND LIMB-GIRDLE MUSCULAR DYSTROPHY; Epidermolysis bullosa simplex with muscular dystrophy. Identifiers: Orphanet 257, MedGen C2931072, MONDO:0009181, OMIM 226670.
Epidermolysis bullosa simplex with nail dystrophy (EBS5D). Identifiers: MedGen C4225309, MONDO:0014661, OMIM 616487.
Epidermolysis bullosa simplex, Ogna type (EBS5A). Also called: Pidermolysis bullosa simplex 5A, Ogna type; EPIDERMOLYSIS BULLOSA SIMPLEX 5A, OGNA TYPE. Identifiers: Orphanet 79401, MedGen C0432317, MONDO:0007555, OMIM 131950.
Autosomal recessive limb-girdle muscular dystrophy type 2Q (LGMDR17). Also called: MUSCULAR DYSTROPHY, LIMB-GIRDLE, AUTOSOMAL RECESSIVE 17. Identifiers: Orphanet 254361, MedGen C3150989, MONDO:0013390, OMIM 613723.

Submission:

Labcorp Genetics (formerly Invitae), Labcorp
Classification: Uncertain significance for Autosomal recessive limb-girdle muscular dystrophy type 2Q; Epidermolysis bullosa simplex, Ogna type; Epidermolysis bullosa simplex with nail dystrophy; Epidermolysis bullosa simplex 5C, with pyloric atresia; Epidermolysis bullosa simplex 5B, with muscular dystrophy. Last evaluated: 2023-06-30. Review status: criteria provided, single submitter. Criteria: Invitae Variant Classification Sherloc (09022015). Collection method: clinical testing. Allele origin: germline.
Comment: ClinVar contains an entry for this variant (Variation ID: 1034911). This sequence change replaces glutamine, which is neutral and polar, with histidine, which is basic and polar, at codon 2389 of the PLEC protein (p.Gln2389His). This variant is not present in population databases (gnomAD no frequency). This variant has not been reported in the literature in individuals affected with PLEC-related conditions. An algorithm developed to predict the effect of missense changes on protein structure and function (PolyPhen-2) suggests that this variant is likely to be disruptive. In summary, the available evidence is currently insufficient to determine the role of this variant in disease. Therefore, it has been classified as a Variant of Uncertain Significance.